The following is an entry in ClinVar:

ClinVar aggregate classification (germline): Uncertain significance. Review status: criteria provided, single submitter (1 of 4 stars). 2 submissions from 2 submitters: Uncertain significance (1). 1 of the submissions does not count toward it. Last evaluated 2020-08-01.

Conditions:
Hereditary breast ovarian cancer syndrome. Also called: Hereditary breast and ovarian cancer syndrome; Hereditary breast and/or ovarian cancer syndrome; Hereditary breast and ovarian cancer syndrome (HBOC); Hereditary breast and ovarian cancer; Breast and ovarian cancer; BRCA1- and BRCA2-Associated Hereditary Breast and Ovarian Cancer. Identifiers: Orphanet 145, MedGen C0677776, MeSH D061325, MONDO:0003582. Disease mechanism: loss of function.
FLCN-related disorder. Also called: FLCN-related condition.

Allele frequency attached by ClinVar (database versions not stated): gnomAD exomes 0.00002 and 0.00008; ExAC 0.00016; gnomAD 0.00026 and 0.00028; 1000 Genomes Project 30x 0.00031; TOPMed 0.00034; 1000 Genomes Project 0.00040.
gnomAD v4.1: 77 of 1,609,458 alleles (0.0048%); highest among the groups gnomAD compares: African/African-American, 0.089%; no homozygotes.

Submissions (2):

Molecular Oncology Research Center, Barretos Cancer Hospital
Classification: Uncertain significance for Hereditary breast ovarian cancer syndrome. Last evaluated: 2020-08-01. Review status: criteria provided, single submitter. Criteria: ACMG Guidelines, 2015. Collection method: research. Allele origin: germline. Affected: yes. Observed: 1 variant allele.

PreventionGenetics, part of Exact Sciences
Classification: Likely benign for FLCN-related condition. Last evaluated: 2020-07-27. Review status: no assertion criteria provided. Collection method: clinical testing. Allele origin: germline. Not counted in ClinVar's aggregate classification.
Comment: This variant is classified as likely benign based on ACMG/AMP sequence variant interpretation guidelines (Richards et al. 2015 PMID: 25741868, with internal and published modifications).

NM_144997.7(FLCN):c.871+158A>C

Gene: FLCN (folliculin; minus strand). Cytogenetic location: 17p11.2.
Variant type: single nucleotide variant.
Coding change: c.871+158A>C on transcript NM_144997.7 (MANE Select); 158 bases into the intron after coding-DNA position 871, A replaced by C.
Molecular consequence: intron variant. On other transcripts: stop lost (1).
Genome position (GRCh38, 1-based): chr17:17,221,379, T>G on the plus strand (A>C on the coding strand, the complement: FLCN is on the minus strand). VCF-style: chr17-17221379-T-G. GRCh37 (hg19) VCF-style: chr17-17124693-T-G.
Other names: c.1029A>C (NM_144606.5); c.1029A>C, p.Ter343Cys (NM_144606.7); c.871+158A>C (NM_001353231.2, NM_001353230.2); c.925+158A>C (NM_001353229.2).
Identifiers: ClinVar variation 981856 (VCV000981856.3), dbSNP rs201282009, ClinGen allele CA8416225.